The following is an entry in ClinVar:

ClinVar aggregate classification (germline): Uncertain significance. Review status: criteria provided, multiple submitters, no conflicts (2 of 4 stars). 2 submissions from 2 submitters: Uncertain significance (2). Last evaluated 2025-12-22.

Conditions:
Hereditary cancer-predisposing syndrome. Also called: Hereditary neoplastic syndrome; Neoplastic Syndromes, Hereditary; Hereditary Cancer Syndrome; Tumor predisposition. Identifiers: Orphanet 140162, MedGen C0027672, MeSH D009386, MONDO:0015356.

Submissions (2):

Labcorp Genetics (formerly Invitae), Labcorp
Classification: Uncertain significance. Last evaluated: 2025-12-22. Review status: criteria provided, single submitter. Criteria: Invitae Variant Classification Sherloc (09022015). Collection method: clinical testing. Allele origin: germline.
Comment: This sequence change affects codon 2188 of the POLE mRNA. It is a 'silent' change, meaning that it does not change the encoded amino acid sequence of the POLE protein. This variant is not present in population databases (gnomAD no frequency). This variant has not been reported in the literature in individuals affected with POLE-related conditions. ClinVar contains an entry for this variant (Variation ID: 3714090). Algorithms developed to predict the effect of sequence changes on RNA splicing suggest that this variant may create or strengthen a splice site. In summary, the available evidence is currently insufficient to determine the role of this variant in disease. Therefore, it has been classified as a Variant of Uncertain Significance.

Ambry Genetics
Classification: Uncertain significance for Hereditary cancer-predisposing syndrome. Last evaluated: 2025-03-07. Review status: criteria provided, single submitter. Criteria: Ambry Variant Classification Scheme 2023. Collection method: clinical testing. Allele origin: germline.
Comment: The c.6564C>T variant (also known as p.S2188S), located in coding exon 47 of the POLE gene, results from a C to T substitution at nucleotide position 6564. This nucleotide substitution does not change the serine at codon 2188. This nucleotide position is well conserved in available vertebrate species. In silico splice site analysis for this alteration is inconclusive. Based on the available evidence, the clinical significance of this variant remains unclear.

NM_006231.4(POLE):c.6564C>T (p.Ser2188=)

Gene: POLE (DNA polymerase epsilon, catalytic subunit; minus strand). Cytogenetic location: 12q24.33.
Variant type: single nucleotide variant.
Coding change: c.6564C>T on transcript NM_006231.4 (MANE Select); coding-DNA position 6564, C replaced by T.
Protein change: p.Ser2188=; no amino-acid change (serine 2188 retained).
Molecular consequence: synonymous variant.
Genome position (GRCh38, 1-based): chr12:132,625,738, G>A on the plus strand (C>T on the coding strand, the complement: POLE is on the minus strand). VCF-style: chr12-132625738-G-A. GRCh37 (hg19) VCF-style: chr12-133202324-G-A.
Other names: c.6564C>T (NM_006231.2).
Identifiers: ClinVar variation 3714090 (VCV003714090.3).
Genomic context (GRCh38, chr12:132,625,738, plus strand): 5'-CTGTAGAACTTCCACCAGCGTCATCTCGATGGCAGAGGAGTCGTAGGGCGCCTGACAGTT[G>A]GAGCAGAGCCACTGAGGCAGGACCGCCCCATCCTAGGCAGAGCAAGAGTGCGAGAGGTCA-3'
Protein context (NP_006222.2, residues 2178-2198): DGAVLPQWLC[Ser2188=]NCQAPYDSSA